The following is an entry in ClinVar:

NM_001365276.2(TNXB):c.9169C>G (p.Pro3057Ala)

Gene: TNXB (tenascin XB; minus strand). Cytogenetic location: 6p21.33.
Variant type: single nucleotide variant.
Coding change: c.9169C>G on transcript NM_001365276.2 (MANE Select); coding-DNA position 9169, C replaced by G.
Protein change: p.Pro3057Ala; replaces proline 3057 with alanine.
Molecular consequence: missense variant.
Genome position (GRCh38, 1-based): chr6:32,050,268, G>C on the plus strand (C>G on the coding strand, the complement: TNXB is on the minus strand). VCF-style: chr6-32050268-G-C. GRCh37 (hg19) VCF-style: chr6-32018045-G-C.
Other names: c.9163C>G, p.Pro3055Ala (NM_019105.8); short protein forms P3055A, P3057A.
Identifiers: ClinVar variation 1306452 (VCV001306452.6), dbSNP rs542833871, ClinGen allele CA136901350.

ClinVar aggregate classification (germline): Uncertain significance. Review status: criteria provided, multiple submitters, no conflicts (2 of 4 stars). 2 submissions from 2 submitters: Uncertain significance (2). Last evaluated 2025-04-20.

Conditions:
Cardiovascular phenotype. Identifiers: MedGen CN230736.

Allele frequency attached by ClinVar (database versions not stated): gnomAD exomes below 0.00001.
gnomAD v4.1: 7 of 1,613,488 alleles (0.00043%); highest among the groups gnomAD compares: African/African-American, 0.0093%; no homozygotes.

Submissions (2):

Ambry Genetics
Classification: Uncertain significance for Cardiovascular phenotype. Last evaluated: 2025-04-20. Review status: criteria provided, single submitter. Criteria: Ambry Variant Classification Scheme 2023. Collection method: clinical testing. Allele origin: germline.
Comment: The p.P3055A variant (also known as c.9163C>G), located in coding exon 26 of the TNXB gene, results from a C to G substitution at nucleotide position 9163. The proline at codon 3055 is replaced by alanine, an amino acid with highly similar properties. This amino acid position is conserved. In addition, this alteration is predicted to be tolerated by in silico analysis. Since supporting evidence is limited at this time, the clinical significance of this alteration remains unclear.

GeneDx
Classification: Uncertain significance. Last evaluated: 2019-06-10. Review status: criteria provided, single submitter. Criteria: GeneDx Variant Classification Process June 2021. Collection method: clinical testing. Allele origin: germline. Affected: yes.
Comment: Has not been previously published as pathogenic or benign to our knowledge; Not observed in large population cohorts (Lek et al., 2016); In silico analysis, which includes protein predictors and evolutionary conservation, supports a deleterious effect